The following is an entry in ClinVar:

ClinVar aggregate classification (germline): Uncertain significance (1 of 4 stars; one submission).

Conditions:
Emery-Dreifuss muscular dystrophy 5, autosomal dominant (EDMD5). Also called: EMERY-DREIFUSS MUSCULAR DYSTROPHY 5. Identifiers: Orphanet 261, MedGen C2751805, MONDO:0013072, OMIM 612999.

gnomAD v4.1: 3 of 1,614,234 alleles (0.00019%); highest among the groups gnomAD compares: Non-Finnish European, 0.00025%; no homozygotes.

Submission:

Labcorp Genetics (formerly Invitae), Labcorp
Classification: Uncertain significance for Emery-Dreifuss muscular dystrophy 5, autosomal dominant. Last evaluated: 2025-07-21. Review status: criteria provided, single submitter. Criteria: Invitae Variant Classification Sherloc (09022015). Collection method: clinical testing. Allele origin: germline.
Comment: This sequence change replaces tyrosine, which is neutral and polar, with histidine, which is basic and polar, at codon 6051 of the SYNE2 protein (p.Tyr6051His). This variant is not present in population databases (gnomAD no frequency). This variant has not been reported in the literature in individuals affected with SYNE2-related conditions. An algorithm developed to predict the effect of missense changes on protein structure and function (PolyPhen-2) suggests that this variant is likely to be disruptive. In summary, the available evidence is currently insufficient to determine the role of this variant in disease. Therefore, it has been classified as a Variant of Uncertain Significance.

NM_182914.3(SYNE2):c.18151T>C (p.Tyr6051His)

Gene: SYNE2 (spectrin repeat containing nuclear envelope protein 2; plus strand). Cytogenetic location: 14q23.2.
Variant type: single nucleotide variant.
Coding change: c.18151T>C on transcript NM_182914.3 (MANE Select); coding-DNA position 18151, T replaced by C.
Protein change: p.Tyr6051His; replaces tyrosine 6051 with histidine.
Molecular consequence: missense variant.
Genome position (GRCh38, 1-based): chr14:64,202,913, T>C. VCF-style: chr14-64202913-T-C. GRCh37 (hg19) VCF-style: chr14-64669631-T-C.
Other names: c.18151T>C, p.Tyr6051His (NM_015180.6); short protein forms Y6051H.
Identifiers: ClinVar variation 4716250 (VCV004716250.1).